The following is an entry in ClinVar:

ClinVar aggregate classification (germline): Uncertain significance (1 of 4 stars; one submission).

Conditions:
Hereditary cancer-predisposing syndrome. Also called: Neoplastic Syndromes, Hereditary; Tumor predisposition; Hereditary neoplastic syndrome; Hereditary Cancer Syndrome. Identifiers: Orphanet 140162, MedGen C0027672, MeSH D009386, MONDO:0015356.

Submission:

Ambry Genetics
Classification: Uncertain significance for Hereditary cancer-predisposing syndrome. Last evaluated: 2025-04-05. Review status: criteria provided, single submitter. Criteria: Ambry Variant Classification Scheme 2023. Collection method: clinical testing. Allele origin: germline.
Comment: The p.I154R variant (also known as c.461T>G), located in coding exon 1 of the MET gene, results from a T to G substitution at nucleotide position 461. The isoleucine at codon 154 is replaced by arginine, an amino acid with similar properties. This amino acid position is conserved. In addition, this alteration is predicted to be tolerated by in silico analysis. Based on the available evidence, the clinical significance of this variant remains unclear.

NM_000245.4(MET):c.461T>G (p.Ile154Arg)

Gene: MET (MET proto-oncogene, receptor tyrosine kinase; plus strand). Cytogenetic location: 7q31.2.
Variant type: single nucleotide variant.
Coding change: c.461T>G on transcript NM_000245.4 (MANE Select); coding-DNA position 461, T replaced by G.
Protein change: p.Ile154Arg; replaces isoleucine 154 with arginine.
Molecular consequence: missense variant. On other transcripts: intron variant (1).
Genome position (GRCh38, 1-based): chr7:116,699,545, T>G. VCF-style: chr7-116699545-T-G. GRCh37 (hg19) VCF-style: chr7-116339599-T-G.
Other names: c.461T>G, p.Ile154Arg (NM_001127500.3, NM_001324401.3); c.-91+26968T>G (NM_001324402.2); short protein forms I154R.
Identifiers: ClinVar variation 4053944 (VCV004053944.1).